The following is an entry in ClinVar:

ClinVar aggregate classification (germline): Likely benign. Review status: criteria provided, multiple submitters, no conflicts (2 of 4 stars). 2 submissions from 2 submitters: Likely benign (2). Last evaluated 2026-07-01.

gnomAD v4.1: 74 of 1,613,734 alleles (0.0046%); highest among the groups gnomAD compares: Admixed American, 0.0083%; no homozygotes.

Submissions (2):

CeGaT Center for Human Genetics Tuebingen
Classification: Likely benign. Last evaluated: 2026-07-01. Review status: criteria provided, single submitter. Criteria: CeGaT Center For Human Genetics Tuebingen Variant Classification Criteria Version 2. Collection method: clinical testing. Allele origin: germline. Affected: yes. Observed: 1 variant allele.
Comment: RARS1: BP4, BP7

Labcorp Genetics (formerly Invitae), Labcorp
Classification: Likely benign. Last evaluated: 2024-04-25. Review status: criteria provided, single submitter. Criteria: Invitae Variant Classification Sherloc (09022015). Collection method: clinical testing. Allele origin: germline.

NM_002887.4(RARS1):c.1740G>A (p.Arg580=)

Gene: RARS1 (arginyl-tRNA synthetase 1; plus strand). Cytogenetic location: 5q34.
Variant type: single nucleotide variant.
Coding change: c.1740G>A on transcript NM_002887.4 (MANE Select); coding-DNA position 1740, G replaced by A.
Protein change: p.Arg580=; no amino-acid change (arginine 580 retained).
Molecular consequence: synonymous variant.
Genome position (GRCh38, 1-based): chr5:168,517,929, G>A. VCF-style: chr5-168517929-G-A. GRCh37 (hg19) VCF-style: chr5-167944934-G-A.
Identifiers: ClinVar variation 3660385 (VCV003660385.4).